The following is an entry in ClinVar:

ClinVar aggregate classification (germline): Uncertain significance (1 of 4 stars; one submission).

Submission:

Ambry Genetics
Classification: Uncertain significance. Last evaluated: 2022-06-13. Review status: criteria provided, single submitter. Criteria: Ambry Variant Classification Scheme 2023. Collection method: clinical testing. Allele origin: germline.
Comment: The p.K877I variant (also known as c.2630A>T), located in coding exon 4 of the ALPK2 gene, results from an A to T substitution at nucleotide position 2630. The lysine at codon 877 is replaced by isoleucine, an amino acid with dissimilar properties. This amino acid position is conserved. In addition, this alteration is predicted to be tolerated by in silico analysis. Since supporting evidence is limited at this time, the clinical significance of this alteration remains unclear.

NM_052947.4(ALPK2):c.2630A>T (p.Lys877Ile)

Gene: ALPK2 (alpha kinase 2; minus strand). Cytogenetic location: 18q21.31.
Variant type: single nucleotide variant.
Coding change: c.2630A>T on transcript NM_052947.4 (MANE Select); coding-DNA position 2630, A replaced by T.
Protein change: p.Lys877Ile; replaces lysine 877 with isoleucine.
Molecular consequence: missense variant.
Genome position (GRCh38, 1-based): chr18:58,537,557, T>A on the plus strand (A>T on the coding strand, the complement: ALPK2 is on the minus strand). VCF-style: chr18-58537557-T-A. GRCh37 (hg19) VCF-style: chr18-56204789-T-A.
Other names: short protein forms K877I.
Identifiers: ClinVar variation 1794048 (VCV001794048.2), dbSNP rs2518877437, ClinGen allele CA402570119.